The following is an entry in ClinVar:

NM_000135.4(FANCA):c.2505A>G (p.Lys835=)

Gene: FANCA (FA complementation group A; minus strand). Cytogenetic location: 16q24.3.
Variant type: single nucleotide variant.
Coding change: c.2505A>G on transcript NM_000135.4 (MANE Select); coding-DNA position 2505, A replaced by G.
Protein change: p.Lys835=; no amino-acid change (lysine 835 retained).
Molecular consequence: synonymous variant.
Genome position (GRCh38, 1-based): chr16:89,767,237, T>C on the plus strand (A>G on the coding strand, the complement: FANCA is on the minus strand). VCF-style: chr16-89767237-T-C. GRCh37 (hg19) VCF-style: chr16-89833645-T-C.
Other names: c.2505A>G (LRG_495t1); c.2505A>G, p.Lys835= (NM_001286167.3).
Identifiers: ClinVar variation 456097 (VCV000456097.8), dbSNP rs1555546563, ClinGen allele CA497184507.

ClinVar aggregate classification (germline): Uncertain significance (1 of 4 stars; one submission).

Conditions:
Fanconi anemia (FA). Also called: Fanconi's anemia. Identifiers: Orphanet 84, MedGen C0015625, MeSH D005199, MONDO:0019391.

Allele frequency attached by ClinVar (database versions not stated): gnomAD exomes below 0.00001.
gnomAD v4.1: 1 of 1,601,800 alleles (0.000062%); highest among the groups gnomAD compares: Non-Finnish European, 0.000086%; no homozygotes.

Submission:

Labcorp Genetics (formerly Invitae), Labcorp
Classification: Uncertain significance for Fanconi anemia. Last evaluated: 2022-07-25. Review status: criteria provided, single submitter. Criteria: Invitae Variant Classification Sherloc (09022015). Collection method: clinical testing. Allele origin: germline.
Comment: This sequence change affects codon 835 of the FANCA mRNA. It is a 'silent' change, meaning that it does not change the encoded amino acid sequence of the FANCA protein. It affects a nucleotide within the consensus splice site. In summary, the available evidence is currently insufficient to determine the role of this variant in disease. Therefore, it has been classified as a Variant of Uncertain Significance. Algorithms developed to predict the effect of sequence changes on RNA splicing suggest that this variant is not likely to affect RNA splicing. ClinVar contains an entry for this variant (Variation ID: 456097). This variant has not been reported in the literature in individuals affected with FANCA-related conditions. This variant is not present in population databases (gnomAD no frequency).